The following continues an entry in ClinVar:

NM_003002.4(SDHD):c.158C>T (p.Pro53Leu)

Gene: SDHD. ClinVar aggregate classification (germline): Uncertain significance. Uncertain significance (8).

Submissions 6 to 9 of 9:

Color Diagnostics, LLC DBA Color Health
Classification: Uncertain significance for Hereditary pheochromocytoma and paraganglioma. Last evaluated: 2024-10-15. Review status: criteria provided, single submitter. Criteria: ACMG Guidelines, 2015. Collection method: clinical testing. Allele origin: germline.
Comment: This missense variant replaces proline with leucine at codon 53 of the SDHD protein. Computational prediction suggests that this variant may have deleterious impact on protein structure and function. Functional studies have shown that this variant complemented a yeast SDHD null mutant for oxidative growth phenotype and displaying 70% succinate dehydrogenase protein activity (PMID: 23175444). This variant has been reported individuals affected with paragangliomas/pheochrocytomas (PMID: 22517554, 25819804, 30877234, 31104306). In one PGL/PCC family, this variant was likely in cis with a truncating SDHD variant (c.14G>A; p.Trp5X) in multiple affected carriers (PMID: 25819804). In another individual affected with paraganglioma this variant co-occurred with a truncating SDHB variant (c.435del; Phe146SerfsX12; PMID: 30877234). This variant has also been reported in an individual affected with sarcoma and adenocarcinoma (PMID: 32659967). This variant has been identified in 12/282828 chromosomes in the general population by the Genome Aggregation Database (gnomAD). The available evidence is insufficient to determine the role of this variant in disease conclusively. Therefore, this variant is classified as a Variant of Uncertain Significance.

All of Us Research Program, National Institutes of Health
Classification: Uncertain significance for Hereditary pheochromocytoma and paraganglioma. Last evaluated: 2024-09-23. Review status: criteria provided, single submitter. Criteria: ACMG Guidelines, 2015. Collection method: clinical testing. Allele origin: germline. Inheritance: Autosomal dominant inheritance. Observed: 12 variant alleles, 12 heterozygotes.
Comment: This missense variant replaces proline with leucine at codon 53 of the SDHD protein. Computational prediction suggests that this variant may have deleterious impact on protein structure and function (internally defined REVEL score threshold >= 0.7, PMID: 27666373). Functional studies have shown that this variant complemented a yeast SDHD null mutant for oxidative growth phenotype and displaying 70% succinate dehydrogenase protein activity (PMID: 23175444). This variant has been reported individuals affected with paragangliomas/pheochrocytomas (PMID: 22517554, 25819804, 30877234, 31104306). In one PGL/PCC family, this variant was likely in cis with a truncating SDHD variant (c.14G>A; p.Trp5X) in multiple affected carriers (PMID: 25819804). In another individual affected with paraganglioma this variant co-occurred with a truncating SDHB variant (c.435del; Phe146SerfsX12; PMID: 30877234). This variant has also been reported in an individual affected with sarcoma and adenocarcinoma (PMID: 32659967). This variant has been identified in 12/282828 chromosomes in the general population by the Genome Aggregation Database (gnomAD). The available evidence is insufficient to determine the role of this variant in disease conclusively. Therefore, this variant is classified as a Variant of Uncertain Significance.

This study involves interpretation of variants in research participants for the purpose of population health screening. Participant phenotype was not available at the time of variant classification. Additional details can be found in publication PMID: 35346344, PMCID: PMC8962531

GeneDx
Classification: Uncertain significance. Last evaluated: 2024-01-29. Review status: criteria provided, single submitter. Criteria: GeneDx Variant Classification Process June 2021. Collection method: clinical testing. Allele origin: germline. Affected: yes.
Comment: Observed in individuals with paraganglioma or pheochromocytoma, co-occurring with a truncating SDHB variant in one case (PMID: 22517554, 30877234, 31104306); Co-segregated with a truncating SDHD variant in several relatives affected with paraganglioma in one family (PMID: 25819804); Published functional studies are inconclusive: showed minimal to no effect on SDH activity and function, but a known pathogenic variant in SDHD performed similarly (PMID: 23175444); Not observed at significant frequency in large population cohorts (gnomAD); In silico analysis supports that this missense variant has a deleterious effect on protein structure/function; In silico analysis is inconclusive as to whether the variant alters gene splicing. In the absence of RNA/functional studies, the actual effect of this sequence change is unknown.; This variant is associated with the following publications: (PMID: 22517554, 25637381, 25985138, 30877234, 31104306, 32659967, 25819804, 23175444)

CSER _CC_NCGL, University of Washington
Classification: Uncertain significance for Phaeochromocytoma. Last evaluated: 2014-06-01. Review status: no assertion criteria provided. Collection method: research. Allele origin: germline. Inheritance: Autosomal dominant inheritance. Study: ESP 6500 variant annotation. Not counted in ClinVar's aggregate classification.
Comment: Variants classified for the Actionable exomic incidental findings in 6503 participants: challenges of variant classification manuscript

Literature cited by the submitters: PubMed 25637381 (cited by 3 submitters); PubMed 25985138 (cited by Women's Health and Genetics/Laboratory Corporation of America, LabCorp and Ambry Genetics); PubMed 23175444 (cited by 6 submitters); PubMed 34452955 (cited by Women's Health and Genetics/Laboratory Corporation of America, LabCorp); PubMed 22517554 (cited by 6 submitters); PubMed 25819804 (cited by 6 submitters); PubMed 30877234 (cited by 4 submitters); PubMed 32659967 (cited by 3 submitters); PubMed 31104306 (cited by Color Diagnostics, LLC DBA Color Health and All of Us Research Program, National Institutes of Health).